The following is an entry in ClinVar:

ClinVar aggregate classification (germline): Uncertain significance (1 of 4 stars; one submission).

Conditions:
Autosomal dominant nonsyndromic hearing loss 12. Also called: DEAFNESS, AUTOSOMAL DOMINANT 8. Identifiers: Orphanet 90635, MedGen C1832187, MONDO:0011102, OMIM 601543.

Submission:

Juno Genomics, Hangzhou Juno Genomics, Inc
Classification: Uncertain significance for Autosomal dominant nonsyndromic hearing loss 12. Review status: criteria provided, single submitter. Criteria: ACMG Guidelines, 2015. Collection method: clinical testing. Allele origin: germline. Affected: yes.
Comment: Absent from controls (or at extremely low frequency if recessive) in Genome Aggregation Database, Exome Sequencing Project, 1000 Genomes Project, or Exome Aggregation Consortium.;Multiple lines of computational evidence support a deleterious effect on the gene or gene product (conservation, evolutionary, splicing impact, etc).

NM_005422.4(TECTA):c.6154T>C (p.Cys2052Arg)

Genes: TECTA (tectorin alpha; plus strand), TBCEL-TECTA (TBCEL-TECTA readthrough; plus strand). Cytogenetic location: 11q23.3.
Variant type: single nucleotide variant.
Coding change: c.6154T>C on transcript NM_005422.4 (MANE Select); coding-DNA position 6154, T replaced by C.
Protein change: p.Cys2052Arg; replaces cysteine 2052 with arginine.
Molecular consequence: missense variant.
Genome position (GRCh38, 1-based): chr11:121,187,986, T>C. VCF-style: chr11-121187986-T-C. GRCh37 (hg19) VCF-style: chr11-121058695-T-C.
Other names: c.7096T>C, p.Cys2366Arg (NM_001378761.1); short protein forms C2052R, C2366R.
Identifiers: ClinVar variation 4796532 (VCV004796532.1).